The following is an entry in ClinVar:

ClinVar aggregate classification (germline): Uncertain significance (1 of 4 stars; one submission).

gnomAD v4.1: 2 of 1,614,094 alleles (0.00012%); highest among the groups gnomAD compares: Non-Finnish European, 0.00017%; no homozygotes.

Submission:

ARUP Laboratories, Molecular Genetics and Genomics, ARUP Laboratories
Classification: Uncertain significance. Last evaluated: 2025-02-20. Review status: criteria provided, single submitter. Criteria: ARUP Molecular Germline Variant Investigation Process 2024. Collection method: clinical testing. Allele origin: germline.
Comment: The SEC23B c.541G>C; p.Glu181Gln variant (rs765328235), to our knowledge, is not reported in the medical literature or gene specific databases. This variant is only observed on one allele in the Genome Aggregation Database (v2.1.1), indicating it is not a common polymorphism. Computational analyses are uncertain whether this variant is neutral or deleterious (REVEL: 0.275). Due to conflicting information, the clinical significance of this variant is uncertain at this time.

NM_006363.6(SEC23B):c.541G>C (p.Glu181Gln)

Genes: SEC23B (SEC23 homolog B, COPII component; plus strand), LOC126862987 (MED14-independent group 3 enhancer GRCh37_chr20:18504796-18505995; plus strand). Cytogenetic location: 20p11.23.
Variant type: single nucleotide variant.
Coding change: c.541G>C on transcript NM_006363.6 (MANE Select); coding-DNA position 541, G replaced by C.
Protein change: p.Glu181Gln; replaces glutamic acid 181 with glutamine.
Molecular consequence: missense variant.
Genome position (GRCh38, 1-based): chr20:18,524,607, G>C. VCF-style: chr20-18524607-G-C. GRCh37 (hg19) VCF-style: chr20-18505251-G-C.
Other names: c.541G>C, p.Glu181Gln (NM_001172745.3, NM_032985.6, NM_032986.5); c.487G>C, p.Glu163Gln (NM_001172746.3); short protein forms E163Q, E181Q.
Identifiers: ClinVar variation 4685630 (VCV004685630.1).